The following is an entry in ClinVar:

ClinVar aggregate classification (germline): Pathogenic/Likely pathogenic. Review status: criteria provided, multiple submitters, no conflicts (2 of 4 stars). 2 submissions from 2 submitters: Pathogenic (1); Likely pathogenic (1). Last evaluated 2023-07-11.

Conditions:
Deficiency of aromatic-L-amino-acid decarboxylase. Also called: Aromatic L-Amino Acid Decarboxylase Deficiency; Aromatic amino acid decarboxylase deficiency; AADC DEFICIENCY; DDC DEFICIENCY; DOPA DECARBOXYLASE DEFICIENCY. Identifiers: Orphanet 35708, MedGen C1291564, MONDO:0012084, OMIM 608643.

Allele frequency attached by ClinVar (database versions not stated): gnomAD exomes below 0.00001; ExAC 0.00002.
gnomAD v4.1: 6 of 1,614,158 alleles (0.00037%); highest among the groups gnomAD compares: South Asian, 0.0044%; no homozygotes.

Submissions (2):

Labcorp Genetics (formerly Invitae), Labcorp
Classification: Pathogenic for Deficiency of aromatic-L-amino-acid decarboxylase. Last evaluated: 2023-07-11. Review status: criteria provided, single submitter. Criteria: Invitae Variant Classification Sherloc (09022015). Collection method: clinical testing. Allele origin: germline.
Comment: This variant is present in population databases (rs780542462, gnomAD 0.006%). This sequence change replaces proline, which is neutral and non-polar, with histidine, which is basic and polar, at codon 47 of the DDC protein (p.Pro47His). This missense change has been observed in individual(s) with aromatic L-amino acid decarboxylase deficiency (PMID: 15079002, 33996177). Advanced modeling of protein sequence and biophysical properties (such as structural, functional, and spatial information, amino acid conservation, physicochemical variation, residue mobility, and thermodynamic stability) performed at Invitae indicates that this missense variant is expected to disrupt DDC protein function. Experimental studies have shown that this missense change affects DDC function (PMID: 24865461). For these reasons, this variant has been classified as Pathogenic.

Neuberg Centre For Genomic Medicine, NCGM
Classification: Likely pathogenic for Deficiency of aromatic-L-amino-acid decarboxylase. Review status: criteria provided, single submitter. Criteria: ACMG Guidelines, 2015. Collection method: clinical testing. Allele origin: germline. Inheritance: Autosomal recessive inheritance. Affected: yes.
Comment: The c.140C>A (p.Pro47His) variant in DDC gene has been reported in homozygous state in individuals affected with aromatic L-amino acid decarboxylase (AADC) deficiency (Pons et al., 2004). The p.Pro47His variant is reported with the allele frequency (0.001%) in the gnomAD Exomes and is novel (not in any individuals) in 1000 Genomes. This variant has not been reported to the ClinVar database. The amino acid Pro at position 47 is changed to a His changing protein sequence and it might alter its composition and physico-chemical properties. The variant is predicted to be damaging by both SIFT and PolyPhen2. The residue is conserved across species. The amino acid change p.Pro47His in DDC is predicted as conserved by GERP++ and PhyloP across 100 vertebrates. For these reasons, this variant has been classified as Likely Pathogenic.

Literature cited by the submitters: PubMed 15079002 (cited by Labcorp Genetics (formerly Invitae), Labcorp); PubMed 33996177 (cited by Labcorp Genetics (formerly Invitae), Labcorp); PubMed 24865461 (cited by Labcorp Genetics (formerly Invitae), Labcorp).

NM_001082971.2(DDC):c.140C>A (p.Pro47His)

Gene: DDC (dopa decarboxylase; minus strand). Cytogenetic location: 7p12.1.
Variant type: single nucleotide variant.
Coding change: c.140C>A on transcript NM_001082971.2 (MANE Select); coding-DNA position 140, C replaced by A.
Protein change: p.Pro47His; replaces proline 47 with histidine.
Molecular consequence: missense variant.
Genome position (GRCh38, 1-based): chr7:50,543,946, G>T on the plus strand (C>A on the coding strand, the complement: DDC is on the minus strand). VCF-style: chr7-50543946-G-T. GRCh37 (hg19) VCF-style: chr7-50611644-G-T.
Other names: c.140C>A, p.Pro47His (NM_000790.4, NM_001242886.2, NM_001242887.2 and 3 more transcripts); short protein forms P47H.
Identifiers: ClinVar variation 2585327 (VCV002585327.4), dbSNP rs780542462, ClinGen allele CA4262488.